The following is an entry in ClinVar:

ClinVar aggregate classification (germline): Uncertain significance. Review status: criteria provided, multiple submitters, no conflicts (2 of 4 stars). 2 submissions from 2 submitters: Uncertain significance (2). Last evaluated 2023-04-13.

Conditions:
Leber congenital amaurosis 3 (LCA3). Also called: SPATA7-Related Retinitis Pigmentosa. Identifiers: MedGen C1858677, MONDO:0011415, OMIM 604232.

Allele frequency attached by ClinVar (database versions not stated): ExAC 0.00001; gnomAD exomes 0.00001.
gnomAD v4.1: 9 of 1,606,166 alleles (0.00056%); highest among the groups gnomAD compares: Non-Finnish European, 0.00068%; no homozygotes.

Submissions (2):

Blueprint Genetics
Classification: Uncertain significance. Last evaluated: 2023-04-13. Review status: criteria provided, single submitter. Criteria: ACMG Guidelines, 2015. Collection method: clinical testing. Allele origin: germline.

Labcorp Genetics (formerly Invitae), Labcorp
Classification: Uncertain significance for Leber congenital amaurosis 3. Last evaluated: 2022-05-09. Review status: criteria provided, single submitter. Criteria: Invitae Variant Classification Sherloc (09022015). Collection method: clinical testing. Allele origin: germline.
Comment: In summary, the available evidence is currently insufficient to determine the role of this variant in disease. Therefore, it has been classified as a Variant of Uncertain Significance. Algorithms developed to predict the effect of sequence changes on RNA splicing suggest that this variant may disrupt the consensus splice site. Algorithms developed to predict the effect of missense changes on protein structure and function are either unavailable or do not agree on the potential impact of this missense change (SIFT: "Tolerated"; PolyPhen-2: "Possibly Damaging"; Align-GVGD: "Class C0"). This variant has not been reported in the literature in individuals affected with SPATA7-related conditions. This variant is not present in population databases (gnomAD no frequency). This sequence change replaces lysine, which is basic and polar, with arginine, which is basic and polar, at codon 49 of the SPATA7 protein (p.Lys49Arg).

NM_018418.5(SPATA7):c.146A>G (p.Lys49Arg)

Gene: SPATA7 (spermatogenesis associated 7; plus strand). Cytogenetic location: 14q31.3.
Variant type: single nucleotide variant.
Coding change: c.146A>G on transcript NM_018418.5 (MANE Select); coding-DNA position 146, A replaced by G.
Protein change: p.Lys49Arg; replaces lysine 49 with arginine.
Molecular consequence: missense variant. On other transcripts: intron variant (1).
Genome position (GRCh38, 1-based): chr14:88,393,444, A>G. VCF-style: chr14-88393444-A-G. GRCh37 (hg19) VCF-style: chr14-88859788-A-G.
Other names: c.94+1989A>G (NM_001040428.4); short protein forms K49R.
Identifiers: ClinVar variation 2182523 (VCV002182523.5), dbSNP rs759157343, ClinGen allele CA7298399.